The following is an entry in ClinVar:

NM_001369.3(DNAH5):c.7480dup (p.Ala2494fs)

Gene: DNAH5 (dynein axonemal heavy chain 5; minus strand). Cytogenetic location: 5p15.2.
Variant type: Duplication.
Coding change: c.7480dup on transcript NM_001369.3 (MANE Select); coding-DNA position 7480, one base duplicated (G; older notation c.7480dupG).
Protein change: p.Ala2494fs; shifts the reading frame from alanine 2494.
Molecular consequence: frameshift variant.
Genome position (GRCh38, 1-based): chr5:13,810,188, C duplicated on the plus strand (G on the coding strand, the reverse complement: DNAH5 is on the minus strand); the first of 5 consecutive C bases (chr5:13,810,188-13,810,192); duplicating any one gives the same sequence. VCF-style (leftmost placement, unchanged base first): chr5-13810187-G-GC. GRCh37 (hg19) VCF-style: chr5-13810296-G-GC.
Other names: short protein forms A2494fs.
Identifiers: ClinVar variation 946438 (VCV000946438.8), dbSNP rs1760421077, ClinGen allele CA1139658751.
Genomic context (GRCh38, chr5:13,810,187, plus strand): 5'-CCTGTGGGCCGAGAGCGCAGCCAGAGCTCCAGGCGGCGCCGTCCGTCCAGCTCCAGCGCC[G>GC]CCCCCGCGCTCCACAGCAGCGCGAACACGAACAGCCGCCCCAGGTGAGCCTGGCTCACCT-3'

ClinVar aggregate classification (germline): Pathogenic (1 of 4 stars; one submission).

Conditions:
Primary ciliary dyskinesia. Also called: Ciliary dyskinesia. Identifiers: Orphanet 244, MedGen C0008780, MONDO:0016575, HP:0012265.

Submission:

Labcorp Genetics (formerly Invitae), Labcorp
Classification: Pathogenic for Primary ciliary dyskinesia. Last evaluated: 2022-06-04. Review status: criteria provided, single submitter. Criteria: Invitae Variant Classification Sherloc (09022015). Collection method: clinical testing. Allele origin: germline.
Comment: For these reasons, this variant has been classified as Pathogenic. ClinVar contains an entry for this variant (Variation ID: 946438). This variant has not been reported in the literature in individuals affected with DNAH5-related conditions. This variant is not present in population databases (gnomAD no frequency). This sequence change creates a premature translational stop signal (p.Ala2494Glyfs*61) in the DNAH5 gene. It is expected to result in an absent or disrupted protein product. Loss-of-function variants in DNAH5 are known to be pathogenic (PMID: 11788826, 16627867).

Literature cited by the submitters: PubMed 11788826; PubMed 16627867.